The following is an entry in ClinVar:

ClinVar aggregate classification (germline): Uncertain significance (1 of 4 stars; one submission).

Conditions:
Mitochondrial DNA depletion syndrome 13. Also called: FBXL4-Related Encephalomyopathic Mitochondrial DNA Depletion Syndrome; Mitochondrial DNA depletion syndrome 13 (encephalomyopathic type). Identifiers: Orphanet 369897, MedGen C3809592, MONDO:0014198, OMIM 615471.

gnomAD v4.1: 14 of 1,614,156 alleles (0.00087%); highest among the groups gnomAD compares: South Asian, 0.014%; no homozygotes.

Submission:

Wong Mito Lab, Molecular and Human Genetics, Baylor College of Medicine
Classification: Uncertain significance for Mitochondrial DNA depletion syndrome 13. Last evaluated: 2017-08-10. Review status: criteria provided, single submitter. Criteria: ACMG Guidelines, 2015. Collection method: reference population. Allele origin: germline.
Comment: The NM_012160.4:c.49A>G (NP_036292.2:p.Ile17Val) [GRCH38: NC_000006.12:g.98926940T>C] variant in FBXL4 gene is interpretated to be a Uncertain Significance - Insufficient Evidence based on ACMG guidelines (PMID: 25741868). This variant meets one or more of the following evidence codes reported in the ACMG-guideline. PM2:This variant is absent in key population databases. Based on this evidence code ClinGen Pathogenicity Calculator (PMID:28081714) suggested that the variant is Uncertain Significance - Insufficient Evidence.

NM_001278716.2(FBXL4):c.49A>G (p.Ile17Val)

Gene: FBXL4 (F-box and leucine rich repeat protein 4; minus strand). Cytogenetic location: 6q16.2.
Variant type: single nucleotide variant.
Coding change: c.49A>G on transcript NM_001278716.2 (MANE Select); coding-DNA position 49, A replaced by G.
Protein change: p.Ile17Val; replaces isoleucine 17 with valine.
Molecular consequence: missense variant. On other transcripts: non-coding transcript variant (2).
Genome position (GRCh38, 1-based): chr6:98,926,940, T>C on the plus strand (A>G on the coding strand, the complement: FBXL4 is on the minus strand). VCF-style: chr6-98926940-T-C. GRCh37 (hg19) VCF-style: chr6-99374816-T-C.
Other names: c.49A>G, p.Ile17Val (NM_012160.5); short protein forms I17V.
Identifiers: ClinVar variation 437523 (VCV000437523.1), dbSNP rs754509338, ClinGen allele CA3933753.